The following is an entry in ClinVar:

NM_007294.4(BRCA1):c.3897G>T (p.Gln1299His)

Genes: BRCA1 (BRCA1 DNA repair associated; minus strand), LOC126862571 (BRD4-independent group 4 enhancer GRCh37_chr17:41243136-41244335; plus strand). Cytogenetic location: 17q21.31.
Variant type: single nucleotide variant.
Coding change: c.3897G>T on transcript NM_007294.4 (MANE Select); coding-DNA position 3897, G replaced by T.
Protein change: p.Gln1299His; replaces glutamine 1299 with histidine.
Molecular consequence: missense variant. On other transcripts: intron variant (135).
Genome position (GRCh38, 1-based): chr17:43,091,634, C>A on the plus strand (G>T on the coding strand, the complement: BRCA1 is on the minus strand). VCF-style: chr17-43091634-C-A. GRCh37 (hg19) VCF-style: chr17-41243651-C-A.
Other names: 4016G>T; c.785-602G>T (NM_001407985.1, NM_001407991.1, NM_001408407.1 and 13 more transcripts); c.548-602G>T (NM_001408494.1); c.665-602G>T (NM_001408444.1, NM_001408438.1, NM_001408430.1 and 12 more transcripts); c.671-602G>T (NM_001408423.1, NM_001408420.1, NM_001408419.1 and 2 more transcripts); c.788-602G>T (NM_001408404.1, NM_001408472.1, NM_001407990.1 and 17 more transcripts); c.578-602G>T (NM_001408492.1, NM_001408513.1, NM_001408489.1 and 9 more transcripts); c.644-602G>T (NM_001408468.1, NM_001408465.1, NM_001408463.1 and 3 more transcripts); and 42 more; short protein forms Q1299H, Q1252H, Q1131H, Q1188H, Q1228H, Q1229H, Q1232H, Q1257H.
Identifiers: ClinVar variation 91618 (VCV000091618.17), dbSNP rs398122678, ClinGen allele CA002506.

ClinVar aggregate classification (germline): Conflicting classifications of pathogenicity. Review status: criteria provided, conflicting classifications (1 of 4 stars). 5 submissions from 5 submitters: Uncertain significance (2); Likely benign (2). 1 of the submissions does not count toward it. Last evaluated 2024-04-22.

Conditions:
Hereditary cancer-predisposing syndrome. Also called: Hereditary Cancer Syndrome; Hereditary neoplastic syndrome; Neoplastic Syndromes, Hereditary; Tumor predisposition. Identifiers: Orphanet 140162, MedGen C0027672, MeSH D009386, MONDO:0015356.
Hereditary breast ovarian cancer syndrome. Also called: BRCA1- and BRCA2-Associated Hereditary Breast and Ovarian Cancer; Hereditary breast and ovarian cancer syndrome; Hereditary breast and ovarian cancer syndrome (HBOC); Breast and ovarian cancer; Hereditary breast and/or ovarian cancer syndrome; Hereditary breast and ovarian cancer. Identifiers: Orphanet 145, MedGen C0677776, MeSH D061325, MONDO:0003582. Disease mechanism: loss of function.
Breast-ovarian cancer, familial, susceptibility to, 1 (BROVCA1). Also called: BRCA1 Hereditary Breast and Ovarian Cancer; OVARIAN CANCER, SUSCEPTIBILITY TO. Identifiers: Orphanet 145, MedGen C2676676, MONDO:0011450, OMIM 604370. Disease mechanism: loss of function.

Submissions (5):

Ambry Genetics
Classification: Uncertain significance for Hereditary cancer-predisposing syndrome. Last evaluated: 2024-04-22. Review status: criteria provided, single submitter. Criteria: Ambry Variant Classification Scheme 2023. Collection method: clinical testing. Allele origin: germline.

Myriad Genetics, Inc.
Classification: Likely benign for Breast-ovarian cancer, familial, susceptibility to, 1. Last evaluated: 2024-04-16. Review status: criteria provided, single submitter. Criteria: Myriad Autosomal Dominant, Autosomal Recessive and X-Linked Classification Criteria (2023). Collection method: clinical testing. Allele origin: unknown.
Comment: This variant is considered likely benign. This variant is strongly associated with less severe personal and family histories of cancer, typical for individuals without pathogenic variants in this gene [PMID: 25085752].

Labcorp Genetics (formerly Invitae), Labcorp
Classification: Uncertain significance for Hereditary breast ovarian cancer syndrome. Last evaluated: 2024-01-15. Review status: criteria provided, single submitter. Criteria: Invitae Variant Classification Sherloc (09022015). Collection method: clinical testing. Allele origin: germline.
Comment: This sequence change replaces glutamine, which is neutral and polar, with histidine, which is basic and polar, at codon 1299 of the BRCA1 protein (p.Gln1299His). This variant is not present in population databases (gnomAD no frequency). This variant has not been reported in the literature in individuals affected with BRCA1-related conditions. ClinVar contains an entry for this variant (Variation ID: 91618). Advanced modeling of protein sequence and biophysical properties (such as structural, functional, and spatial information, amino acid conservation, physicochemical variation, residue mobility, and thermodynamic stability) performed at Invitae indicates that this missense variant is not expected to disrupt BRCA1 protein function with a negative predictive value of 95%. Algorithms developed to predict the effect of sequence changes on RNA splicing suggest that this variant may create or strengthen a splice site. In summary, the available evidence is currently insufficient to determine the role of this variant in disease. Therefore, it has been classified as a Variant of Uncertain Significance.

University of Washington Department of Laboratory Medicine, University of Washington
Classification: Likely benign for Hereditary cancer-predisposing syndrome. Last evaluated: 2023-03-23. Review status: criteria provided, single submitter. Criteria: Dines et al. (Genet Med. 2020). Collection method: curation. Allele origin: germline.
Comment: Missense variant in a coldspot region where missense variants are very unlikely to be pathogenic (PMID:31911673).

BRCA1 coldspot (exon 11 using historical exon numbering). Reclassification based on statistical prior probability

Sharing Clinical Reports Project (SCRP)
Classification: Uncertain significance for Breast-ovarian cancer, familial 1. Last evaluated: 2010-08-27. Review status: no assertion criteria provided. Collection method: clinical testing. Allele origin: germline. Not counted in ClinVar's aggregate classification.

Literature cited by the submitters: PubMed 25085752 (cited by Myriad Genetics, Inc.).